The following is an entry in ClinVar:

ClinVar aggregate classification (germline): Uncertain significance. Review status: criteria provided, multiple submitters, no conflicts (2 of 4 stars). 2 submissions from 2 submitters: Uncertain significance (2). Last evaluated 2024-01-07.

Allele frequency attached by ClinVar (database versions not stated): TOPMed below 0.00001; ExAC 0.00001; gnomAD 0.00001; gnomAD exomes 0.00001.
gnomAD v4.1: 21 of 1,611,144 alleles (0.0013%); highest among the groups gnomAD compares: Non-Finnish European, 0.0015%; no homozygotes.

Submissions (2):

Labcorp Genetics (formerly Invitae), Labcorp
Classification: Uncertain significance. Last evaluated: 2024-01-07. Review status: criteria provided, single submitter. Criteria: Invitae Variant Classification Sherloc (09022015). Collection method: clinical testing. Allele origin: germline.
Comment: This sequence change replaces proline, which is neutral and non-polar, with serine, which is neutral and polar, at codon 4168 of the HMCN1 protein (p.Pro4168Ser). This variant is present in population databases (rs764622257, gnomAD 0.004%). This variant has not been reported in the literature in individuals affected with HMCN1-related conditions. ClinVar contains an entry for this variant (Variation ID: 2540053). An algorithm developed to predict the effect of missense changes on protein structure and function (PolyPhen-2) suggests that this variant is likely to be disruptive. In summary, the available evidence is currently insufficient to determine the role of this variant in disease. Therefore, it has been classified as a Variant of Uncertain Significance.

Ambry Genetics
Classification: Uncertain significance. Last evaluated: 2023-04-25. Review status: criteria provided, single submitter. Criteria: Ambry Variant Classification Scheme 2023. Collection method: clinical testing. Allele origin: germline.

NM_031935.3(HMCN1):c.12502C>T (p.Pro4168Ser)

Gene: HMCN1 (hemicentin 1; plus strand). Cytogenetic location: 1q31.1.
Variant type: single nucleotide variant.
Coding change: c.12502C>T on transcript NM_031935.3 (MANE Select); coding-DNA position 12502, C replaced by T.
Protein change: p.Pro4168Ser; replaces proline 4168 with serine.
Molecular consequence: missense variant.
Genome position (GRCh38, 1-based): chr1:186,125,606, C>T. VCF-style: chr1-186125606-C-T. GRCh37 (hg19) VCF-style: chr1-186094738-C-T.
Other names: short protein forms P4168S.
Identifiers: ClinVar variation 2540053 (VCV002540053.5), dbSNP rs764622257, ClinGen allele CA1294383.